The following is an entry in ClinVar:

NM_001008537.3(NEXMIF):c.3805G>A (p.Ala1269Thr)

Gene: NEXMIF (neurite extension and migration factor; minus strand). Cytogenetic location: Xq13.3.
Variant type: single nucleotide variant.
Coding change: c.3805G>A on transcript NM_001008537.3 (MANE Select); coding-DNA position 3805, G replaced by A.
Protein change: p.Ala1269Thr; replaces alanine 1269 with threonine.
Molecular consequence: missense variant.
Genome position (GRCh38, 1-based): chrX:74,740,752, C>T on the plus strand (G>A on the coding strand, the complement: NEXMIF is on the minus strand). VCF-style: chrX-74740752-C-T. GRCh37 (hg19) VCF-style: chrX-73960587-C-T.
Other names: short protein forms A1269T.
Identifiers: ClinVar variation 1509072 (VCV001509072.6), dbSNP rs2147439186, ClinGen allele CA413664713.
Genomic context (GRCh38, chrX:74,740,752, plus strand): 5'-TCTCCTTCCCCAAGGCCCAATCTCCAGAAAGTCCCTTTTGACTTGGCATCTTCATAGAGG[C>T]CATAGGGCCACCATGTTGGATACATTCAGCCAATGTCTTCCCAGTGGAGGATATGGTGTT-3'
Protein context (NP_001008537.1, residues 1259-1279): AECIQHGGPM[Ala1269Thr]SMKMPSQKGL

ClinVar aggregate classification (germline): Uncertain significance (1 of 4 stars; one submission).

Submission:

Labcorp Genetics (formerly Invitae), Labcorp
Classification: Uncertain significance. Last evaluated: 2022-08-09. Review status: criteria provided, single submitter. Criteria: Invitae Variant Classification Sherloc (09022015). Collection method: clinical testing. Allele origin: germline.
Comment: This variant has not been reported in the literature in individuals affected with NEXMIF-related conditions. This variant is not present in population databases (gnomAD no frequency). This sequence change replaces alanine, which is neutral and non-polar, with threonine, which is neutral and polar, at codon 1269 of the NEXMIF protein (p.Ala1269Thr). ClinVar contains an entry for this variant (Variation ID: 1509072). In summary, the available evidence is currently insufficient to determine the role of this variant in disease. Therefore, it has been classified as a Variant of Uncertain Significance. Algorithms developed to predict the effect of missense changes on protein structure and function output the following: SIFT: "Tolerated"; PolyPhen-2: "Benign"; Align-GVGD: "Class C0". The threonine amino acid residue is found in multiple mammalian species, which suggests that this missense change does not adversely affect protein function.